The following is an entry in ClinVar:

ClinVar aggregate classification (germline): Uncertain significance (1 of 4 stars; one submission).

Allele frequency attached by ClinVar (database versions not stated): gnomAD exomes below 0.00001; TOPMed below 0.00001; ExAC 0.00001.
gnomAD v4.1: 5 of 1,613,570 alleles (0.00031%); highest among the groups gnomAD compares: South Asian, 0.0022%; no homozygotes.

Submission:

Labcorp Genetics (formerly Invitae), Labcorp
Classification: Uncertain significance. Last evaluated: 2025-02-10. Review status: criteria provided, single submitter. Criteria: Invitae Variant Classification Sherloc (09022015). Collection method: clinical testing. Allele origin: germline.
Comment: This sequence change replaces alanine, which is neutral and non-polar, with threonine, which is neutral and polar, at codon 1193 of the COL11A2 protein (p.Ala1193Thr). The frequency data for this variant in the population databases is considered unreliable, as metrics indicate poor data quality at this position in the gnomAD database. This variant has not been reported in the literature in individuals affected with COL11A2-related conditions. ClinVar contains an entry for this variant (Variation ID: 1908246). Invitae Evidence Modeling of protein sequence and biophysical properties (such as structural, functional, and spatial information, amino acid conservation, physicochemical variation, residue mobility, and thermodynamic stability) indicates that this missense variant is not expected to disrupt COL11A2 protein function with a negative predictive value of 95%. In summary, the available evidence is currently insufficient to determine the role of this variant in disease. Therefore, it has been classified as a Variant of Uncertain Significance.

NM_080680.3(COL11A2):c.3577G>A (p.Ala1193Thr)

Gene: COL11A2 (collagen type XI alpha 2 chain; minus strand). Cytogenetic location: 6p21.32.
Variant type: single nucleotide variant.
Coding change: c.3577G>A on transcript NM_080680.3 (MANE Select); coding-DNA position 3577, G replaced by A.
Protein change: p.Ala1193Thr; replaces alanine 1193 with threonine.
Molecular consequence: missense variant.
Genome position (GRCh38, 1-based): chr6:33,170,331, C>T on the plus strand (G>A on the coding strand, the complement: COL11A2 is on the minus strand). VCF-style: chr6-33170331-C-T. GRCh37 (hg19) VCF-style: chr6-33138108-C-T.
Other names: c.3256G>A, p.Ala1086Thr (NM_080679.3); c.3319G>A, p.Ala1107Thr (NM_080681.3); short protein forms A1107T, A1193T, A1086T.
Identifiers: ClinVar variation 1908246 (VCV001908246.3), dbSNP rs768639928, ClinGen allele CA3750457.
Genomic context (GRCh38, chr6:33,170,331, plus strand): 5'-GGAGGCAGAAGACCAGACACATTGGTCTCAAGGGACAGGGGCTGAGATGACTCACATCAG[C>T]GCCATTGGGTCCAGCTGGACCTCGAGGTCCTGGGGGGCCAGGTGGTCCCTGGGGGAAACA-3'
Protein context (NP_542411.2, residues 1183-1203): GPRGPAGPNG[Ala1193Thr]DGPQGPPGGV